The following is an entry in ClinVar:

ClinVar aggregate classification (germline): Uncertain significance. Review status: criteria provided, multiple submitters, no conflicts (2 of 4 stars). 3 submissions from 3 submitters: Uncertain significance (3). Last evaluated 2026-08-06.

Conditions:
Baller-Gerold syndrome (BGS). Also called: CRANIOSYNOSTOSIS WITH RADIAL DEFECTS. Identifiers: Orphanet 1225, MedGen C0265308, MONDO:0009039, OMIM 218600.
Inborn genetic diseases. Identifiers: MedGen C0950123, MeSH D030342.

gnomAD v4.1: 3 of 1,613,016 alleles (0.00019%); highest among the groups gnomAD compares: Admixed American, 0.005%; no homozygotes.

Submissions (3):

OLLIN Analises Genomicas, OLLIN
Classification: Uncertain significance for Baller-Gerold syndrome. Last evaluated: 2026-08-06. Review status: criteria provided, single submitter. Criteria: ACMG Guidelines 2015 PMID 25741868. Collection method: clinical testing. Allele origin: germline. Inheritance: Autosomal recessive inheritance.
Comment: This missense variant, located in exon 6 (of 21), has been reported in ClinVar (accession VCV002889221.3) and in gnomAD with an allele frequency of 0.00019%. However, to our knowledge, it has not been reported in the scientific literature. In silico analysis is inconclusive regarding the impact of this variant. According to the currently available evidence, this variant has been classified as uncertain significance (PM2_P).

Ambry Genetics
Classification: Uncertain significance for Inborn genetic diseases. Last evaluated: 2025-02-15. Review status: criteria provided, single submitter. Criteria: Ambry Variant Classification Scheme 2023. Collection method: clinical testing. Allele origin: germline.
Comment: The p.K382N variant (also known as c.1146G>C), located in coding exon 6 of the RECQL4 gene, results from a G to C substitution at nucleotide position 1146. The lysine at codon 382 is replaced by asparagine, an amino acid with similar properties. This amino acid position is conserved. In addition, this alteration is predicted to be tolerated by in silico analysis. Based on the available evidence, the clinical significance of this variant remains unclear.

Labcorp Genetics (formerly Invitae), Labcorp
Classification: Uncertain significance for Baller-Gerold syndrome. Last evaluated: 2024-11-13. Review status: criteria provided, single submitter. Criteria: Invitae Variant Classification Sherloc (09022015). Collection method: clinical testing. Allele origin: germline.
Comment: This sequence change replaces lysine, which is basic and polar, with asparagine, which is neutral and polar, at codon 382 of the RECQL4 protein (p.Lys382Asn). This variant is present in population databases (rs759321310, gnomAD 0.009%). This variant has not been reported in the literature in individuals affected with RECQL4-related conditions. ClinVar contains an entry for this variant (Variation ID: 1481370). Invitae Evidence Modeling of protein sequence and biophysical properties (such as structural, functional, and spatial information, amino acid conservation, physicochemical variation, residue mobility, and thermodynamic stability) indicates that this missense variant is expected to disrupt RECQL4 protein function with a positive predictive value of 80%. In summary, the available evidence is currently insufficient to determine the role of this variant in disease. Therefore, it has been classified as a Variant of Uncertain Significance.

NM_004260.4(RECQL4):c.1146G>C (p.Lys382Asn)

Gene: RECQL4 (RecQ like helicase 4; minus strand). Cytogenetic location: 8q24.3.
Variant type: single nucleotide variant.
Coding change: c.1146G>C on transcript NM_004260.4 (MANE Select); coding-DNA position 1146, G replaced by C.
Protein change: p.Lys382Asn; replaces lysine 382 with asparagine.
Molecular consequence: missense variant.
Genome position (GRCh38, 1-based): chr8:144,515,876, C>G on the plus strand (G>C on the coding strand, the complement: RECQL4 is on the minus strand). VCF-style: chr8-144515876-C-G. GRCh37 (hg19) VCF-style: chr8-145741260-C-G.
Other names: c.1146G>C (NM_004260.3); short protein forms K382N.
Identifiers: ClinVar variation 1481370 (VCV001481370.7), dbSNP rs759321310, ClinGen allele CA4949010.